The following is an entry in ClinVar:

NM_017636.4(TRPM4):c.1873+3G>T

Gene: TRPM4 (transient receptor potential cation channel subfamily M member 4; plus strand). Cytogenetic location: 19q13.33.
Variant type: single nucleotide variant.
Coding change: c.1873+3G>T on transcript NM_017636.4 (MANE Select); 3 bases into the intron after coding-DNA position 1873, G replaced by T.
Molecular consequence: intron variant.
Genome position (GRCh38, 1-based): chr19:49,188,773, G>T. VCF-style: chr19-49188773-G-T. GRCh37 (hg19) VCF-style: chr19-49692030-G-T.
Other names: c.1873+3G>T (NM_001195227.2); c.265+3G>T (NM_001321282.2); c.1528+3G>T (NM_001321281.2); c.1351+3G>T (NM_001321283.2); c.811+3G>T (NM_001321285.2).
Identifiers: ClinVar variation 692250 (VCV000692250.8), dbSNP rs779988026, ClinGen allele CA9569341.

ClinVar aggregate classification (germline): Uncertain significance. Review status: criteria provided, multiple submitters, no conflicts (2 of 4 stars). 3 submissions from 3 submitters: Uncertain significance (3). Last evaluated 2022-03-09.

Conditions:
Progressive familial heart block type IB (PFHB1B). Identifiers: Orphanet 871, MedGen C1970298, MONDO:0011474, OMIM 604559.
Brugada syndrome. Also called: Sudden Unexplained Death Syndrome; Sudden Unexplained Nocturnal Death Syndrome (SUNDS); Sudden unexpected nocturnal death syndrome; Sudden unexplained nocturnal death syndrome. Identifiers: Orphanet 130, MedGen C1142166, MONDO:0015263.
Cardiovascular phenotype. Identifiers: MedGen CN230736.

Allele frequency attached by ClinVar (database versions not stated): gnomAD exomes below 0.00001; ExAC 0.00001.
gnomAD v4.1: 1 of 1,614,046 alleles (0.000062%); highest among the groups gnomAD compares: Non-Finnish European, 0.000085%; no homozygotes.

Submissions (3):

Labcorp Genetics (formerly Invitae), Labcorp
Classification: Uncertain significance for Progressive familial heart block type IB. Last evaluated: 2022-03-09. Review status: criteria provided, single submitter. Criteria: Invitae Variant Classification Sherloc (09022015). Collection method: clinical testing. Allele origin: germline.
Comment: This sequence change falls in intron 13 of the TRPM4 gene. It does not directly change the encoded amino acid sequence of the TRPM4 protein. It affects a nucleotide within the consensus splice site. This variant is present in population databases (rs779988026, gnomAD 0.0009%). This variant has not been reported in the literature in individuals affected with TRPM4-related conditions. ClinVar contains an entry for this variant (Variation ID: 692250). Variants that disrupt the consensus splice site are a relatively common cause of aberrant splicing (PMID: 17576681, 9536098). Algorithms developed to predict the effect of sequence changes on RNA splicing suggest that this variant is not likely to affect RNA splicing. In summary, the available evidence is currently insufficient to determine the role of this variant in disease. Therefore, it has been classified as a Variant of Uncertain Significance.

Ambry Genetics
Classification: Uncertain significance for Cardiovascular phenotype. Last evaluated: 2020-01-17. Review status: criteria provided, single submitter. Criteria: Ambry Variant Classification Scheme 2023. Collection method: clinical testing. Allele origin: germline.
Comment: The c.1873+3G>T intronic variant results from a G to T substitution 3 nucleotides after coding exon 13 in the TRPM4 gene. This nucleotide position is not well conserved in available vertebrate species. Using two different splice site prediction tools, this alteration is predicted to weaken (but not abolish) the efficiency of the native splice donor site by ESEfinder, while BDGP does not produce a reliable prediction for the nearby native splice donor site; however, direct evidence is unavailable. Since supporting evidence is limited at this time, the clinical significance of this alteration remains unclear.

MVZ Martinsried, Medicover Genetics
Classification: Uncertain significance for Brugada syndrome. Last evaluated: 2019-04-30. Review status: criteria provided, single submitter. Criteria: ACMG Guidelines, 2015. Collection method: clinical testing. Allele origin: unknown. Affected: yes.

Literature cited by the submitters: PubMed 17576681 (cited by Labcorp Genetics (formerly Invitae), Labcorp); PubMed 9536098 (cited by Labcorp Genetics (formerly Invitae), Labcorp).